The following is an entry in ClinVar:

ClinVar aggregate classification (germline): Conflicting classifications of pathogenicity. Review status: criteria provided, conflicting classifications (1 of 4 stars). 2 submissions from 2 submitters: Uncertain significance (1); Likely benign (1). Last evaluated 2026-08-06.

Conditions:
Retinoblastoma (RB1). Also called: RETINOBLASTOMA, SOMATIC. Identifiers: Orphanet 790, MedGen C0035335, MeSH D012175, MONDO:0008380, OMIM 180200, HP:0009919. Disease mechanism: loss of function. Inheritance: Both sporadic and heritable forms are tested..
Hereditary cancer-predisposing syndrome. Also called: Hereditary Cancer Syndrome; Tumor predisposition; Hereditary neoplastic syndrome; Neoplastic Syndromes, Hereditary. Identifiers: Orphanet 140162, MedGen C0027672, MeSH D009386, MONDO:0015356.

Allele frequency attached by ClinVar (database versions not stated): gnomAD exomes below 0.00001.
gnomAD v4.1: 2 of 1,612,296 alleles (0.00012%); highest among the groups gnomAD compares: Non-Finnish European, 0.00017%; no homozygotes.

Submissions (2):

Ambry Genetics
Classification: Likely benign for Hereditary cancer-predisposing syndrome. Last evaluated: 2026-08-06. Review status: criteria provided, single submitter. Criteria: Ambry Variant Classification Scheme 2023. Collection method: clinical testing. Allele origin: germline.

Labcorp Genetics (formerly Invitae), Labcorp
Classification: Uncertain significance for Retinoblastoma. Last evaluated: 2023-03-08. Review status: criteria provided, single submitter. Criteria: Invitae Variant Classification Sherloc (09022015). Collection method: clinical testing. Allele origin: germline.
Comment: This sequence change replaces isoleucine, which is neutral and non-polar, with valine, which is neutral and non-polar, at codon 101 of the RB1 protein (p.Ile101Val). This variant is not present in population databases (gnomAD no frequency). This variant has not been reported in the literature in individuals affected with RB1-related conditions. ClinVar contains an entry for this variant (Variation ID: 527922). Advanced modeling of protein sequence and biophysical properties (such as structural, functional, and spatial information, amino acid conservation, physicochemical variation, residue mobility, and thermodynamic stability) performed at Invitae indicates that this missense variant is not expected to disrupt RB1 protein function. In summary, the available evidence is currently insufficient to determine the role of this variant in disease. Therefore, it has been classified as a Variant of Uncertain Significance.

NM_000321.3(RB1):c.301A>G (p.Ile101Val)

Gene: RB1 (RB transcriptional corepressor 1; plus strand). Cytogenetic location: 13q14.2.
Variant type: single nucleotide variant.
Coding change: c.301A>G on transcript NM_000321.3 (MANE Select); coding-DNA position 301, A replaced by G.
Protein change: p.Ile101Val; replaces isoleucine 101 with valine.
Molecular consequence: missense variant.
Genome position (GRCh38, 1-based): chr13:48,342,635, A>G. VCF-style: chr13-48342635-A-G. GRCh37 (hg19) VCF-style: chr13-48916771-A-G.
Other names: short protein forms I101V.
Identifiers: ClinVar variation 527922 (VCV000527922.14), dbSNP rs1555282783, ClinGen allele CA388252391.
Genomic context (GRCh38, chr13:48,342,635, plus strand): 5'-TTGATCTTTATTTTTTGTTCCCAGGGAGGTTATATTCAAAAGAAAAAGGAACTGTGGGGA[A>G]TCTGTATCTTTATTGCAGCAGTTGACCTAGATGAGATGTCGTTCACTTTTACTGAGCTAC-3'
Protein context (NP_000312.2, residues 91-111): YIQKKKELWG[Ile101Val]CIFIAAVDLD